The following is an entry in ClinVar:

ClinVar aggregate classification (germline): Uncertain significance. Review status: criteria provided, single submitter (1 of 4 stars). 2 submissions from 2 submitters: Uncertain significance (1). 1 of the submissions does not count toward it. Last evaluated 2022-05-23.

Conditions:
Autosomal recessive nonsyndromic hearing loss 4 (DFNB4). Also called: Deafness, autosomal recessive 4; FOXI1-Related Pendred Syndrome; KCNJ10-Related Pendred Syndrome; DEAFNESS, AUTOSOMAL RECESSIVE 4, WITH ENLARGED VESTIBULAR AQUEDUCT, DIGENIC; Deafness, autosomal recessive 4, with enlarged vestibular aqueduct; Enlarged vestibular aqueduct, digenic. Identifiers: Orphanet 90636, MedGen C3538946, MONDO:0010933, OMIM 600791.

Allele frequency attached by ClinVar (database versions not stated): TOPMed 0.00001.
gnomAD v4.1: 8 of 1,613,544 alleles (0.0005%); highest among the groups gnomAD compares: Admixed American, 0.0083%; no homozygotes.

Submissions (2):

Labcorp Genetics (formerly Invitae), Labcorp
Classification: Uncertain significance. Last evaluated: 2022-05-23. Review status: criteria provided, single submitter. Criteria: Invitae Variant Classification Sherloc (09022015). Collection method: clinical testing. Allele origin: germline.
Comment: This sequence change replaces isoleucine, which is neutral and non-polar, with asparagine, which is neutral and polar, at codon 426 of the SLC26A4 protein (p.Ile426Asn). This variant is present in population databases (rs375540945, gnomAD 0.01%). This variant has not been reported in the literature in individuals affected with SLC26A4-related conditions. ClinVar contains an entry for this variant (Variation ID: 691514). Advanced modeling of protein sequence and biophysical properties (such as structural, functional, and spatial information, amino acid conservation, physicochemical variation, residue mobility, and thermodynamic stability) performed at Invitae indicates that this missense variant is expected to disrupt SLC26A4 protein function. Experimental studies have shown that this missense change affects SLC26A4 function (PMID: 31599023). In summary, the available evidence is currently insufficient to determine the role of this variant in disease. Therefore, it has been classified as a Variant of Uncertain Significance.

National Institute of Sensory Organs, National Hospital Organization Tokyo Medical Center
Classification: Affects for Autosomal recessive nonsyndromic hearing loss 4. Last evaluated: 2019-08-20. Review status: no assertion criteria provided. Collection method: literature only, in vitro. Allele origin: germline. Inheritance: Autosomal recessive inheritance. Affected: yes. Functional consequence: loss_of_function_variant. Not counted in ClinVar's aggregate classification.
Comment: in vitro experiment

Literature cited by the submitters: PubMed 31599023 (cited by Labcorp Genetics (formerly Invitae), Labcorp and National Institute of Sensory Organs, National Hospital Organization Tokyo Medical Center); PubMed 21704276 (cited by National Institute of Sensory Organs, National Hospital Organization Tokyo Medical Center); PubMed 25525159 (cited by National Institute of Sensory Organs, National Hospital Organization Tokyo Medical Center); PubMed 27771369 (cited by National Institute of Sensory Organs, National Hospital Organization Tokyo Medical Center).

NM_000441.2(SLC26A4):c.1277T>A (p.Ile426Asn)

Gene: SLC26A4 (solute carrier family 26 member 4; plus strand). Cytogenetic location: 7q22.3.
Variant type: single nucleotide variant.
Coding change: c.1277T>A on transcript NM_000441.2 (MANE Select); coding-DNA position 1277, T replaced by A.
Protein change: p.Ile426Asn; replaces isoleucine 426 with asparagine.
Molecular consequence: missense variant.
Genome position (GRCh38, 1-based): chr7:107,694,416, T>A. VCF-style: chr7-107694416-T-A. GRCh37 (hg19) VCF-style: chr7-107334861-T-A.
Other names: short protein forms I426N.
Identifiers: ClinVar variation 691514 (VCV000691514.6), dbSNP rs375540945, ClinGen allele CA4432766.